The following is an entry in ClinVar:

ClinVar aggregate classification (germline): Uncertain significance (1 of 4 stars; one submission).

Conditions:
Genitopatellar syndrome (GTPTS). Also called: Genitopatellar syndrome (GPS); ABSENT PATELLAE, SCROTAL HYPOPLASIA, RENAL ANOMALIES, FACIAL DYSMORPHISM, AND MENTAL RETARDATION. Identifiers: Orphanet 85201, MedGen C1853566, MONDO:0011640, OMIM 606170.

Submission:

Labcorp Genetics (formerly Invitae), Labcorp
Classification: Uncertain significance for Genitopatellar syndrome. Last evaluated: 2025-04-14. Review status: criteria provided, single submitter. Criteria: Invitae Variant Classification Sherloc (09022015). Collection method: clinical testing. Allele origin: germline.
Comment: This sequence change replaces asparagine, which is neutral and polar, with serine, which is neutral and polar, at codon 1043 of the KAT6B protein (p.Asn1043Ser). This variant is not present in population databases (gnomAD no frequency). This variant has not been reported in the literature in individuals affected with KAT6B-related conditions. ClinVar contains an entry for this variant (Variation ID: 2868251). Invitae Evidence Modeling of protein sequence and biophysical properties (such as structural, functional, and spatial information, amino acid conservation, physicochemical variation, residue mobility, and thermodynamic stability) indicates that this missense variant is not expected to disrupt KAT6B protein function with a negative predictive value of 80%. In summary, the available evidence is currently insufficient to determine the role of this variant in disease. Therefore, it has been classified as a Variant of Uncertain Significance.

NM_012330.4(KAT6B):c.3128A>G (p.Asn1043Ser)

Gene: KAT6B (lysine acetyltransferase 6B; plus strand). Cytogenetic location: 10q22.2.
Variant type: single nucleotide variant.
Coding change: c.3128A>G on transcript NM_012330.4 (MANE Select); coding-DNA position 3128, A replaced by G.
Protein change: p.Asn1043Ser; replaces asparagine 1043 with serine.
Molecular consequence: missense variant.
Genome position (GRCh38, 1-based): chr10:75,021,987, A>G. VCF-style: chr10-75021987-A-G. GRCh37 (hg19) VCF-style: chr10-76781745-A-G.
Other names: c.3128A>G, p.Asn1043Ser (NM_001370137.1, NM_001370136.1); c.2579A>G, p.Asn860Ser (NM_001370138.1, NM_001256468.2); c.2252A>G, p.Asn751Ser (NM_001370139.1, NM_001370140.1, NM_001370141.1 and 2 more transcripts); c.2063A>G, p.Asn688Ser (NM_001370143.1, NM_001370144.1); c.2090A>G, p.Asn697Ser (NM_001370132.1); c.1439A>G, p.Asn480Ser (NM_001370133.1); c.1043A>G, p.Asn348Ser (NM_001370134.1); c.785A>G, p.Asn262Ser (NM_001370135.1); short protein forms N348S, N480S, N1043S, N860S, N262S, N688S, N751S, N697S.
Identifiers: ClinVar variation 2868251 (VCV002868251.3), dbSNP rs2549168990, ClinGen allele CA377283803.